The following is an entry in ClinVar:

ClinVar aggregate classification (germline): Likely benign (0 of 4 stars; one submission).

Conditions:
FZD6-related disorder. Also called: FZD6-related condition.

Allele frequency attached by ClinVar (database versions not stated): ExAC 0.00032; gnomAD 0.00083; TOPMed 0.00084; 1000 Genomes Project 30x 0.00125; ESP Exome Variant Server 0.00138; 1000 Genomes Project 0.00140.
gnomAD v4.1: 378 of 1,614,130 alleles (0.023%); highest among the groups gnomAD compares: African/African-American, 0.29%; 1 homozygote.

Submission:

PreventionGenetics, part of Exact Sciences
Classification: Likely benign for FZD6-related condition. Last evaluated: 2023-12-20. Review status: no assertion criteria provided. Collection method: clinical testing. Allele origin: germline.
Comment: This variant is classified as likely benign based on ACMG/AMP sequence variant interpretation guidelines (Richards et al. 2015 PMID: 25741868, with internal and published modifications).

NM_003506.4(FZD6):c.960C>T (p.Ile320=)

Gene: FZD6 (frizzled class receptor 6; plus strand). Cytogenetic location: 8q22.3.
Variant type: single nucleotide variant.
Coding change: c.960C>T on transcript NM_003506.4 (MANE Select); coding-DNA position 960, C replaced by T.
Protein change: p.Ile320=; no amino-acid change (isoleucine 320 retained).
Molecular consequence: synonymous variant. On other transcripts: non-coding transcript variant (1).
Genome position (GRCh38, 1-based): chr8:103,325,066, C>T. VCF-style: chr8-103325066-C-T. GRCh37 (hg19) VCF-style: chr8-104337294-C-T.
Other names: c.960C>T, p.Ile320= (NM_001164615.2); c.864C>T, p.Ile288= (NM_001164616.2); c.45C>T, p.Ile15= (NM_001317796.2).
Identifiers: ClinVar variation 3040907 (VCV003040907.2), dbSNP rs149396895, ClinGen allele CA4834865.